The following is an entry in ClinVar:

NM_007294.4(BRCA1):c.442-7T>G

Gene: BRCA1 (BRCA1 DNA repair associated; minus strand). Cytogenetic location: 17q21.31.
Variant type: single nucleotide variant.
Coding change: c.442-7T>G on transcript NM_007294.4 (MANE Select); 7 bases into the intron before coding-DNA position 442, T replaced by G.
Molecular consequence: intron variant.
Genome position (GRCh38, 1-based): chr17:43,099,887, A>C on the plus strand (T>G on the coding strand, the complement: BRCA1 is on the minus strand). VCF-style: chr17-43099887-A-C. GRCh37 (hg19) VCF-style: chr17-41251904-A-C.
Other names: c.442-10T>G (NM_001407614.1, NM_001407587.1, NM_001407686.1 and 65 more transcripts); c.442-7T>G (NM_001408494.1, NM_001408444.1, NM_001408438.1 and 96 more transcripts); c.301-10T>G (NM_001407748.1, NM_001407934.1, NM_001408468.1 and 35 more transcripts); c.301-7T>G (NM_001408500.1, NM_001407921.1, NM_001408466.1 and 61 more transcripts); c.-218-5027T>G (NM_001407966.1, NM_001407967.1); c.232-7T>G (NM_001408492.1, NM_001407889.1, NM_001408513.1 and 37 more transcripts); c.61-7T>G (NM_001407959.1, NM_001408512.1, NM_001408510.1 and 3 more transcripts); c.61-10T>G (NM_001407962.1); and 5 more.
Identifiers: ClinVar variation 1390722 (VCV001390722.7), dbSNP rs886040909, ClinGen allele CA2573154090.

ClinVar aggregate classification (germline): Uncertain significance (1 of 4 stars; one submission).

Conditions:
Hereditary breast ovarian cancer syndrome. Also called: Hereditary breast and ovarian cancer syndrome; Hereditary breast and ovarian cancer; BRCA1- and BRCA2-Associated Hereditary Breast and Ovarian Cancer; Hereditary breast and/or ovarian cancer syndrome; Hereditary breast and ovarian cancer syndrome (HBOC); Breast and ovarian cancer. Identifiers: Orphanet 145, MedGen C0677776, MeSH D061325, MONDO:0003582. Disease mechanism: loss of function.

Submission:

Labcorp Genetics (formerly Invitae), Labcorp
Classification: Uncertain significance for Hereditary breast ovarian cancer syndrome. Last evaluated: 2021-11-01. Review status: criteria provided, single submitter. Criteria: Invitae Variant Classification Sherloc (09022015). Collection method: clinical testing. Allele origin: germline.
Comment: This variant has not been reported in the literature in individuals affected with BRCA1-related conditions. This variant is not present in population databases (gnomAD no frequency). This sequence change falls in intron 6 of the BRCA1 gene. It does not directly change the encoded amino acid sequence of the BRCA1 protein. Algorithms developed to predict the effect of sequence changes on RNA splicing suggest that this variant may disrupt the consensus splice site. In summary, the available evidence is currently insufficient to determine the role of this variant in disease. Therefore, it has been classified as a Variant of Uncertain Significance.